The following is an entry in ClinVar:

ClinVar aggregate classification (germline): Uncertain significance (1 of 4 stars; one submission).

gnomAD v4.1: 1 of 1,614,000 alleles (0.000062%); highest among the groups gnomAD compares: African/African-American, 0.0013%; no homozygotes.

Submission:

GeneDx
Classification: Uncertain significance. Last evaluated: 2025-07-16. Review status: criteria provided, single submitter. Criteria: GeneDx Variant Classification Process June 2021. Collection method: clinical testing. Allele origin: germline. Affected: yes.
Comment: Not observed at significant frequency in large population cohorts (gnomAD); In silico analysis suggests that this missense variant does not alter protein structure/function; Has not been previously published as pathogenic or benign to our knowledge

NM_001256317.3(TMPRSS3):c.113C>T (p.Ala38Val)

Gene: TMPRSS3 (transmembrane serine protease 3; minus strand). Cytogenetic location: 21q22.3.
Variant type: single nucleotide variant.
Coding change: c.113C>T on transcript NM_001256317.3 (MANE Select); coding-DNA position 113, C replaced by T.
Protein change: p.Ala38Val; replaces alanine 38 with valine.
Molecular consequence: missense variant.
Genome position (GRCh38, 1-based): chr21:42,390,019, G>A on the plus strand (C>T on the coding strand, the complement: TMPRSS3 is on the minus strand). VCF-style: chr21-42390019-G-A. GRCh37 (hg19) VCF-style: chr21-43810128-G-A.
Other names: c.113C>T, p.Ala38Val (NM_024022.4, NM_032405.2); short protein forms A38V.
Identifiers: ClinVar variation 4686189 (VCV004686189.1).